The following is an entry in ClinVar:

NM_004714.3(DYRK1B):c.63G>A (p.Gln21=)

Gene: DYRK1B (dual specificity tyrosine phosphorylation regulated kinase 1B; minus strand). Cytogenetic location: 19q13.2.
Variant type: single nucleotide variant.
Coding change: c.63G>A on transcript NM_004714.3 (MANE Select); coding-DNA position 63, G replaced by A.
Protein change: p.Gln21=; no amino-acid change (glutamine 21 retained).
Molecular consequence: synonymous variant.
Genome position (GRCh38, 1-based): chr19:39,831,805, C>T on the plus strand (G>A on the coding strand, the complement: DYRK1B is on the minus strand). VCF-style: chr19-39831805-C-T. GRCh37 (hg19) VCF-style: chr19-40322445-C-T.
Other names: c.63G>A, p.Gln21= (NM_006483.3, NM_006484.3).
Identifiers: ClinVar variation 3353058 (VCV003353058.2).

ClinVar aggregate classification (germline): Likely benign (1 of 4 stars; one submission).

Conditions:
DYRK1B-related disorder. Also called: DYRK1B-related condition.

gnomAD v4.1: 34 of 1,548,208 alleles (0.0022%); highest among the groups gnomAD compares: Non-Finnish European, 0.0027%; no homozygotes.

Submission:

PreventionGenetics, part of Exact Sciences
Classification: Likely benign for DYRK1B-related condition. Last evaluated: 2025-09-02. Review status: criteria provided, single submitter. Criteria: ACMG Guidelines, 2015. Collection method: clinical testing. Allele origin: germline.
Comment: This variant is classified as likely benign based on ACMG/AMP sequence variant interpretation guidelines (Richards et al. 2015 PMID: 25741868, with internal and published modifications).